The following is an entry in ClinVar:

ClinVar aggregate classification (germline): Uncertain significance (1 of 4 stars; one submission).

Allele frequency attached by ClinVar (database versions not stated): gnomAD exomes 0.00001.
gnomAD v4.1: 7 of 1,613,928 alleles (0.00043%); highest among the groups gnomAD compares: Non-Finnish European, 0.00059%; no homozygotes.

Submission:

Labcorp Genetics (formerly Invitae), Labcorp
Classification: Uncertain significance. Last evaluated: 2020-06-12. Review status: criteria provided, single submitter. Criteria: Invitae Variant Classification Sherloc (09022015). Collection method: clinical testing. Allele origin: germline.
Comment: This sequence change replaces proline with leucine at codon 47 of the RGS9 protein (p.Pro47Leu). The proline residue is highly conserved and there is a moderate physicochemical difference between proline and leucine. This variant is not present in population databases (ExAC no frequency). This variant has not been reported in the literature in individuals with RGS9-related conditions. Algorithms developed to predict the effect of missense changes on protein structure and function are either unavailable or do not agree on the potential impact of this missense change (SIFT: "Deleterious"; PolyPhen-2: "Probably Damaging"; Align-GVGD: "Class C0"). In summary, the available evidence is currently insufficient to determine the role of this variant in disease. Therefore, it has been classified as a Variant of Uncertain Significance.

NM_003835.4(RGS9):c.140C>T (p.Pro47Leu)

Gene: RGS9 (regulator of G protein signaling 9; plus strand). Cytogenetic location: 17q24.1.
Variant type: single nucleotide variant.
Coding change: c.140C>T on transcript NM_003835.4 (MANE Select); coding-DNA position 140, C replaced by T.
Protein change: p.Pro47Leu; replaces proline 47 with leucine.
Molecular consequence: missense variant.
Genome position (GRCh38, 1-based): chr17:65,153,504, C>T. VCF-style: chr17-65153504-C-T. GRCh37 (hg19) VCF-style: chr17-63149622-C-T.
Other names: c.140C>T, p.Pro47Leu (NM_001081955.3, NM_001165933.2); short protein forms P47L.
Identifiers: ClinVar variation 1025563 (VCV001025563.8), dbSNP rs1910659258, ClinGen allele CA400662931.